The following is an entry in ClinVar:

ClinVar aggregate classification (germline): Likely pathogenic (1 of 4 stars; one submission).

Conditions:
Hereditary cancer-predisposing syndrome. Also called: Neoplastic Syndromes, Hereditary; Tumor predisposition; Hereditary neoplastic syndrome; Hereditary Cancer Syndrome. Identifiers: Orphanet 140162, MedGen C0027672, MeSH D009386, MONDO:0015356.

Submission:

Ambry Genetics
Classification: Likely pathogenic for Hereditary cancer-predisposing syndrome. Last evaluated: 2018-01-05. Review status: criteria provided, single submitter. Criteria: Ambry Variant Classification Scheme 2023. Collection method: clinical testing. Allele origin: germline.
Comment: The c.608delTinsGA variant, located in coding exon 7 of the RAD51D gene, results from the deletion of one nucleotide and insertion of two nucleotides causing a translational frameshift with a predicted alternate stop codon (p.V203Gfs*124). This stop codon occurs at the 3' terminus of RAD51D, removes the last 3 amino acids of the protein and is not expected to trigger nonsense-mediated mRNA decay; however, this alteration changes 123 amino acids in the highly conserved Walker B motif of the RAD51D protein that is required for ATPase function and XRCC2 binding (Wiese C et al. Nucleic Acids Res., 2006 May;34:2833-43). Based on the available evidence to date, this variant is likely to be pathogenic.

NM_002878.4(RAD51D):c.608delinsGA (p.Val203fs)

Genes: RAD51L3-RFFL (RAD51L3-RFFL readthrough; minus strand), RAD51D (RAD51 paralog D; minus strand). Cytogenetic location: 17q12.
Variant type: Indel.
Coding change: c.608delinsGA on transcript NM_002878.4 (MANE Select); coding-DNA position 608, T replaced by GA.
Protein change: p.Val203fs; shifts the reading frame from valine 203.
Molecular consequence: frameshift variant. On other transcripts: non-coding transcript variant (3).
Genome position (GRCh38, 1-based): chr17:35,103,513, A replaced by TC on the plus strand (T replaced by GA on the coding strand, the reverse complement: RAD51D is on the minus strand). VCF-style: chr17-35103513-A-TC. GRCh37 (hg19) VCF-style: chr17-33430532-A-TC.
Other names: c.668delinsGA, p.Val223fs (NM_001142571.2); c.272delinsGA, p.Val91fs (NM_133629.3); c.608delTinsGA (NM_002878.3); short protein forms V203fs, V223fs, V91fs.
Identifiers: ClinVar variation 826179 (VCV000826179.4), dbSNP rs1597858862, ClinGen allele CA915949980.